The following is an entry in ClinVar:

NM_001940.4(ATN1):c.279+3G>A

Gene: ATN1 (atrophin 1; plus strand). Cytogenetic location: 12p13.31.
Variant type: single nucleotide variant.
Coding change: c.279+3G>A on transcript NM_001940.4 (MANE Select); 3 bases into the intron after coding-DNA position 279, G replaced by A.
Molecular consequence: intron variant.
Genome position (GRCh38, 1-based): chr12:6,934,581, G>A. VCF-style: chr12-6934581-G-A. GRCh37 (hg19) VCF-style: chr12-7043744-G-A.
Other names: c.279+3G>A (NM_001424176.1, NM_001007026.2, NM_001424179.1 and 4 more transcripts).
Identifiers: ClinVar variation 3766688 (VCV003766688.3).

ClinVar aggregate classification (germline): Benign/Likely benign. Review status: criteria provided, multiple submitters, no conflicts (2 of 4 stars). 2 submissions from 2 submitters: Benign (1); Likely benign (1). Last evaluated 2026-05-01.

gnomAD v4.1: 433 of 1,551,962 alleles (0.028%); highest among the groups gnomAD compares: African/African-American, 0.47%; no homozygotes.

Submissions (2):

CeGaT Center for Human Genetics Tuebingen
Classification: Likely benign. Last evaluated: 2026-05-01. Review status: criteria provided, single submitter. Criteria: CeGaT Center For Human Genetics Tuebingen Variant Classification Criteria Version 2. Collection method: clinical testing. Allele origin: germline. Affected: yes. Observed: 1 variant allele.
Comment: ATN1: BP4, BS1

ARUP Laboratories, Molecular Genetics and Genomics, ARUP Laboratories
Classification: Benign. Last evaluated: 2024-06-28. Review status: criteria provided, single submitter. Criteria: ARUP Molecular Germline Variant Investigation Process 2024. Collection method: clinical testing. Allele origin: germline.